The following is an entry in ClinVar:

NM_000368.5(TSC1):c.2076A>T (p.Arg692=)

Gene: TSC1 (TSC complex subunit 1; minus strand). Cytogenetic location: 9q34.13.
Variant type: single nucleotide variant.
Coding change: c.2076A>T on transcript NM_000368.5 (MANE Select); coding-DNA position 2076, A replaced by T.
Protein change: p.Arg692=; no amino-acid change (arginine 692 retained).
Molecular consequence: synonymous variant. On other transcripts: non-coding transcript variant (4).
Genome position (GRCh38, 1-based): chr9:132,903,783, T>A on the plus strand (A>T on the coding strand, the complement: TSC1 is on the minus strand). VCF-style: chr9-132903783-T-A. GRCh37 (hg19) VCF-style: chr9-135779170-T-A.
Other names: c.2073A>T, p.Arg691= (NM_001162426.2, NM_001406597.1, NM_001406598.1 and 4 more transcripts); c.1923A>T, p.Arg641= (NM_001162427.2, NM_001406610.1); c.1713A>T, p.Arg571= (NM_001362177.2, NM_001406614.1, NM_001406615.1 and 5 more transcripts); c.2076A>T, p.Arg692= (NM_001406592.1, NM_001406593.1, NM_001406594.1 and 5 more transcripts); c.2061A>T, p.Arg687= (NM_001406601.1, NM_001406602.1); c.2058A>T, p.Arg686= (NM_001406603.1, NM_001406604.1); c.1920A>T, p.Arg640= (NM_001406611.1, NM_001406612.1, NM_001406613.1); c.1710A>T, p.Arg570= (NM_001406620.1, NM_001406621.1, NM_001406622.1 and 2 more transcripts); and 3 more.
Identifiers: ClinVar variation 4084233 (VCV004084233.8).
Genomic context (GRCh38, chr9:132,903,783, plus strand): 5'-ATGCTGCTGCCTCTTAAAACGCTCATAGAGTAACTGGTTGTGCAGTAAAAGCAACTGGTC[T>A]CGGAGGGTGCGGATCTCATCTGAAGGAGGAGAGCCTGATTGTAAAGCAGAGGGAGGGTGG-3'
Protein context (NP_000359.1, residues 682-702): SPPSDEIRTL[Arg692=]DQLLLLHNQL

ClinVar aggregate classification (germline): Likely benign (1 of 4 stars; one submission).

Submission:

CeGaT Center for Human Genetics Tuebingen
Classification: Likely benign. Last evaluated: 2025-08-01. Review status: criteria provided, single submitter. Criteria: CeGaT Center For Human Genetics Tuebingen Variant Classification Criteria Version 2. Collection method: clinical testing. Allele origin: germline. Affected: yes. Observed: 1 variant allele.
Comment: TSC1: PM2:Supporting, BP4, BP7